The following is an entry in ClinVar:

ClinVar aggregate classification (germline): Pathogenic. Review status: criteria provided, single submitter (1 of 4 stars). 2 submissions from 2 submitters: Pathogenic (1). 1 of the submissions does not count toward it. Last evaluated 2025-07-02.

Conditions:
Ataxia-telangiectasia syndrome (AT). Also called: Cerebello-oculocutaneous telangiectasia; Immunodeficiency with ataxia telangiectasia; Ataxia-telangiectasia, complementation group E; Ataxia-telangiectasia, complementation group D; AT, COMPLEMENTATION GROUP C; ATAXIA-TELANGIECTASIA, COMPLEMENTATION GROUP A. Identifiers: Orphanet 100, MedGen C0004135, MONDO:0008840, OMIM 208900.

Submissions (2):

Labcorp Genetics (formerly Invitae), Labcorp
Classification: Pathogenic for Ataxia-telangiectasia syndrome. Last evaluated: 2025-07-02. Review status: criteria provided, single submitter. Criteria: Invitae Variant Classification Sherloc (09022015). Collection method: clinical testing. Allele origin: germline.
Comment: This sequence change creates a premature translational stop signal (p.Asp2703Argfs*15) in the ATM gene. It is expected to result in an absent or disrupted protein product. Loss-of-function variants in ATM are known to be pathogenic (PMID: 23807571, 25614872). This variant is not present in population databases (gnomAD no frequency). This variant has not been reported in the literature in individuals affected with ATM-related conditions. ClinVar contains an entry for this variant (Variation ID: 556492). For these reasons, this variant has been classified as Pathogenic.

Counsyl
Classification: Likely pathogenic for Ataxia-telangiectasia syndrome. Last evaluated: 2018-02-01. Review status: no assertion criteria provided. Collection method: clinical testing. Allele origin: unknown. Not counted in ClinVar's aggregate classification.

Literature cited by the submitters: PubMed 23807571 (cited by Labcorp Genetics (formerly Invitae), Labcorp); PubMed 25614872 (cited by Labcorp Genetics (formerly Invitae), Labcorp).

NM_000051.4(ATM):c.8106dup (p.Asp2703fs)

Genes: ATM (ATM serine/threonine kinase; plus strand), C11orf65 (chromosome 11 open reading frame 65; minus strand). Cytogenetic location: 11q22.3.
Variant type: Duplication.
Coding change: c.8106dup on transcript NM_000051.4 (MANE Select); coding-DNA position 8106, one base duplicated (A; older notation c.8106dupA).
Protein change: p.Asp2703fs; shifts the reading frame from aspartic acid 2703.
Molecular consequence: frameshift variant. On other transcripts: intron variant (2).
Genome position (GRCh38, 1-based): chr11:108,335,064, A duplicated. VCF-style (leftmost placement, unchanged base first): chr11-108335063-T-TA. GRCh37 (hg19) VCF-style: chr11-108205790-T-TA.
Other names: c.8106dupA (NM_000051.3); c.8106dup, p.Asp2703fs (NM_001351834.2); c.641-25993dup (NM_001330368.2); c.*38+156dup (NM_001351110.2); short protein forms D2703fs.
Identifiers: ClinVar variation 556492 (VCV000556492.4), dbSNP rs1555127231, ClinGen allele CA658821321.